The following is an entry in ClinVar:

ClinVar aggregate classification (germline): Uncertain significance (1 of 4 stars; one submission).

Submission:

GeneDx
Classification: Uncertain significance. Last evaluated: 2017-05-15. Review status: criteria provided, single submitter. Criteria: GeneDx Variant Classification (06012015). Collection method: clinical testing. Allele origin: germline. Affected: yes.
Comment: The L397P variant in the MYCN gene has not been reported previously as a pathogenic variant, nor as a benign variant, to our knowledge. The L397P variant is not observed in large population cohorts (Lek et al., 2016; 1000 Genomes Consortium et al., 2015; Exome Variant Server). The L397P variant is a semi-conservative amino acid substitution, which occurs at a position that is conserved across species. In silico analysis predicts this variant is probably damaging to the protein structure/function. We interpret L397P as a variant of uncertain significance,

NM_005378.6(MYCN):c.1190T>C (p.Leu397Pro)

Gene: MYCN (MYCN proto-oncogene, bHLH transcription factor; plus strand). Cytogenetic location: 2p24.3.
Variant type: single nucleotide variant.
Coding change: c.1190T>C on transcript NM_005378.6 (MANE Select); coding-DNA position 1190, T replaced by C.
Protein change: p.Leu397Pro; replaces leucine 397 with proline.
Molecular consequence: missense variant. On other transcripts: 3 prime UTR variant (1).
Genome position (GRCh38, 1-based): chr2:15,945,892, T>C. VCF-style: chr2-15945892-T-C. GRCh37 (hg19) VCF-style: chr2-16086014-T-C.
Other names: c.1190T>C, p.Leu397Pro (NM_001293228.2); c.557T>C, p.Leu186Pro (NM_001293231.2); c.*1125T>C (NM_001293233.2); short protein forms L397P, L186P.
Identifiers: ClinVar variation 429866 (VCV000429866.2), dbSNP rs1131691641, ClinGen allele CA345932472.